The following is an entry in ClinVar:

NM_182914.3(SYNE2):c.5488A>C (p.Ser1830Arg)

Gene: SYNE2 (spectrin repeat containing nuclear envelope protein 2; plus strand). Cytogenetic location: 14q23.2.
Variant type: single nucleotide variant.
Coding change: c.5488A>C on transcript NM_182914.3 (MANE Select); coding-DNA position 5488, A replaced by C.
Protein change: p.Ser1830Arg; replaces serine 1830 with arginine.
Molecular consequence: missense variant.
Genome position (GRCh38, 1-based): chr14:64,021,992, A>C. VCF-style: chr14-64021992-A-C. GRCh37 (hg19) VCF-style: chr14-64488710-A-C.
Other names: c.5488A>C, p.Ser1830Arg (NM_015180.6); short protein forms S1830R.
Identifiers: ClinVar variation 3717153 (VCV003717153.2).

ClinVar aggregate classification (germline): Uncertain significance (1 of 4 stars; one submission).

Conditions:
Emery-Dreifuss muscular dystrophy 5, autosomal dominant (EDMD5). Also called: EMERY-DREIFUSS MUSCULAR DYSTROPHY 5. Identifiers: Orphanet 261, MedGen C2751805, MONDO:0013072, OMIM 612999.

gnomAD v4.1: 8 of 1,613,716 alleles (0.0005%); highest among the groups gnomAD compares: African/African-American, 0.004%; no homozygotes.

Submission:

Labcorp Genetics (formerly Invitae), Labcorp
Classification: Uncertain significance for Emery-Dreifuss muscular dystrophy 5, autosomal dominant. Last evaluated: 2025-08-26. Review status: criteria provided, single submitter. Criteria: Invitae Variant Classification Sherloc (09022015). Collection method: clinical testing. Allele origin: germline.
Comment: This sequence change replaces serine, which is neutral and polar, with arginine, which is basic and polar, at codon 1830 of the SYNE2 protein (p.Ser1830Arg). This variant is present in population databases (rs759487525, gnomAD 0.008%). This variant has not been reported in the literature in individuals affected with SYNE2-related conditions. ClinVar contains an entry for this variant (Variation ID: 3717153). An algorithm developed to predict the effect of missense changes on protein structure and function outputs the following: PolyPhen-2: "Probably Damaging". The arginine amino acid residue is found in multiple mammalian species, which suggests that this missense change does not adversely affect protein function. In summary, the available evidence is currently insufficient to determine the role of this variant in disease. Therefore, it has been classified as a Variant of Uncertain Significance.